The following is an entry in ClinVar:

ClinVar aggregate classification (germline): Uncertain significance (1 of 4 stars; one submission).

Conditions:
Hypokalemic periodic paralysis, type 1. Also called: HypoPP; Hypokalemic Periodic Paralysis Type 1 (AD). Identifiers: Orphanet 681, MedGen C3714580, MONDO:0042979, OMIM 170400.
Malignant hyperthermia, susceptibility to, 5 (MHS5). Also called: CACNA1S-Related Malignant Hyperthermia Susceptibility. Identifiers: Orphanet 423, MedGen C1866077, MONDO:0011163, OMIM 601887.

Submission:

Labcorp Genetics (formerly Invitae), Labcorp
Classification: Uncertain significance for Hypokalemic periodic paralysis, type 1; Malignant hyperthermia, susceptibility to, 5. Last evaluated: 2022-07-11. Review status: criteria provided, single submitter. Criteria: Invitae Variant Classification Sherloc (09022015). Collection method: clinical testing. Allele origin: germline.
Comment: In summary, the available evidence is currently insufficient to determine the role of this variant in disease. Therefore, it has been classified as a Variant of Uncertain Significance. Advanced modeling of protein sequence and biophysical properties (such as structural, functional, and spatial information, amino acid conservation, physicochemical variation, residue mobility, and thermodynamic stability) performed at Invitae indicates that this missense variant is not expected to disrupt CACNA1S protein function. ClinVar contains an entry for this variant (Variation ID: 1420264). This variant has not been reported in the literature in individuals affected with CACNA1S-related conditions. This variant is not present in population databases (gnomAD no frequency). This sequence change replaces methionine, which is neutral and non-polar, with isoleucine, which is neutral and non-polar, at codon 1451 of the CACNA1S protein (p.Met1451Ile).

NM_000069.3(CACNA1S):c.4353G>A (p.Met1451Ile)

Gene: CACNA1S (calcium voltage-gated channel subunit alpha1 S; minus strand). Cytogenetic location: 1q32.1.
Variant type: single nucleotide variant.
Coding change: c.4353G>A on transcript NM_000069.3 (MANE Select); coding-DNA position 4353, G replaced by A.
Protein change: p.Met1451Ile; replaces methionine 1451 with isoleucine.
Molecular consequence: missense variant.
Genome position (GRCh38, 1-based): chr1:201,048,670, C>T on the plus strand (G>A on the coding strand, the complement: CACNA1S is on the minus strand). VCF-style: chr1-201048670-C-T. GRCh37 (hg19) VCF-style: chr1-201017798-C-T.
Other names: short protein forms M1451I.
Identifiers: ClinVar variation 1420264 (VCV001420264.8), dbSNP rs773780364, ClinGen allele CA1321795.